The following is an entry in ClinVar:

NM_001843.4(CNTN1):c.95-76A>T

Gene: CNTN1 (contactin 1; plus strand). Cytogenetic location: 12q12.
Variant type: single nucleotide variant.
Coding change: c.95-76A>T on transcript NM_001843.4 (MANE Select); 76 bases into the intron before coding-DNA position 95, A replaced by T.
Molecular consequence: intron variant.
Genome position (GRCh38, 1-based): chr12:40,918,563, A>T. VCF-style: chr12-40918563-A-T. GRCh37 (hg19) VCF-style: chr12-41312365-A-T.
Other names: NC_000012.11:g.41312365A>T; c.95-76A>T (NM_001256063.2, NM_001256064.2); c.62-76A>T (NM_175038.2).
Identifiers: ClinVar variation 679919 (VCV000679919.3), dbSNP rs10879356, ClinGen allele CA235386754.
Genomic context (GRCh38, chr12:40,918,563, plus strand): 5'-GAGGCAAATATCTTTGTTTTGAATTAAAATGGAGATTCTGTTTCTGATTTTTTTCAAGTA[A>T]TTTTTTTTCAATGTTCTCAAATTTTCTTTGACTTATAAAGCAGTACAATGTAAAACAATT-3'

ClinVar aggregate classification (germline): Benign. Review status: criteria provided, multiple submitters, no conflicts (2 of 4 stars). 2 submissions from 2 submitters: Benign (2). Last evaluated 2018-06-14.

Allele frequency attached by ClinVar (database versions not stated): gnomAD exomes 0.43970; gnomAD 0.49120 and 0.49609; 1000 Genomes Project 0.46825; TOPMed 0.48464; 1000 Genomes Project 30x 0.47923.
gnomAD v4.1: 593,561 of 1,331,212 alleles (45%); highest among the groups gnomAD compares: African/African-American, 57%; 132,696 homozygotes.

Submissions (3):

GeneDx
Classification: Benign. Last evaluated: 2018-06-14. Review status: criteria provided, single submitter. Criteria: GeneDx Variant Classification (06012015). Collection method: clinical testing. Allele origin: germline. Affected: yes.
Comment: This variant is considered likely benign or benign based on one or more of the following criteria: it is a conservative change, it occurs at a poorly conserved position in the protein, it is predicted to be benign by multiple in silico algorithms, and/or has population frequency not consistent with disease.

Breakthrough Genomics
Classification: Benign. Review status: criteria provided, single submitter. Criteria: ACMG Guidelines, 2015. Collection method: not provided. Allele origin: germline. Inheritance: Autosomal recessive inheritance. Affected: yes.

Dr. Peter K. Rogan Lab, Western University
No classification provided (evidence only). Condition: Hepatocellular carcinoma. Review status: no classification provided. Collection method: in vitro. Allele origin: not applicable. Functional consequence: retained intron. Not counted in ClinVar's aggregate classification.